The following is an entry in ClinVar:

NM_144631.6(ZNF513):c.535C>T (p.Arg179Cys)

Gene: ZNF513 (zinc finger protein 513; minus strand). Cytogenetic location: 2p23.3.
Variant type: single nucleotide variant.
Coding change: c.535C>T on transcript NM_144631.6 (MANE Select); coding-DNA position 535, C replaced by T.
Protein change: p.Arg179Cys; replaces arginine 179 with cysteine.
Molecular consequence: missense variant.
Genome position (GRCh38, 1-based): chr2:27,378,731, G>A on the plus strand (C>T on the coding strand, the complement: ZNF513 is on the minus strand). VCF-style: chr2-27378731-G-A. GRCh37 (hg19) VCF-style: chr2-27601598-G-A.
Other names: c.349C>T, p.Arg117Cys (NM_001201459.2); short protein forms R117C, R179C.
Identifiers: ClinVar variation 3258478 (VCV003258478.3).

ClinVar aggregate classification (germline): Uncertain significance. Review status: criteria provided, multiple submitters, no conflicts (2 of 4 stars). 2 submissions from 2 submitters: Uncertain significance (2). Last evaluated 2024-12-19.

Submissions (2):

Labcorp Genetics (formerly Invitae), Labcorp
Classification: Uncertain significance. Last evaluated: 2024-12-19. Review status: criteria provided, single submitter. Criteria: Invitae Variant Classification Sherloc (09022015). Collection method: clinical testing. Allele origin: germline.
Comment: This sequence change replaces arginine, which is basic and polar, with cysteine, which is neutral and slightly polar, at codon 179 of the ZNF513 protein (p.Arg179Cys). This variant is not present in population databases (gnomAD no frequency). This variant has not been reported in the literature in individuals affected with ZNF513-related conditions. An algorithm developed to predict the effect of missense changes on protein structure and function (PolyPhen-2) suggests that this variant is likely to be disruptive. In summary, the available evidence is currently insufficient to determine the role of this variant in disease. Therefore, it has been classified as a Variant of Uncertain Significance.

Ambry Genetics
Classification: Uncertain significance. Last evaluated: 2024-06-22. Review status: criteria provided, single submitter. Criteria: Ambry Variant Classification Scheme 2023. Collection method: clinical testing. Allele origin: germline.